The following is an entry in ClinVar:

NM_006343.3(MERTK):c.61+3G>C

Gene: MERTK (MER proto-oncogene, tyrosine kinase; plus strand). Cytogenetic location: 2q13.
Variant type: single nucleotide variant.
Coding change: c.61+3G>C on transcript NM_006343.3 (MANE Select); 3 bases into the intron after coding-DNA position 61, G replaced by C.
Molecular consequence: intron variant.
Genome position (GRCh38, 1-based): chr2:111,898,799, G>C. VCF-style: chr2-111898799-G-C. GRCh37 (hg19) VCF-style: chr2-112656376-G-C.
Identifiers: ClinVar variation 865867 (VCV000865867.12), dbSNP rs746981720, ClinGen allele CA1830952.

ClinVar aggregate classification (germline): Conflicting classifications of pathogenicity. Review status: criteria provided, conflicting classifications (1 of 4 stars). 4 submissions from 4 submitters: Uncertain significance (3); Likely benign (1). Last evaluated 2025-03-26.

Conditions:
MERTK-related disorder. Also called: MERTK-related condition.
Retinitis pigmentosa (RP). Identifiers: Orphanet 791, MedGen C0035334, MeSH D012174, MONDO:0019200, OMIM 268000. Inheritance: Autosomal dominant, autosomal recessive and X linked inheritance.

Allele frequency attached by ClinVar (database versions not stated): gnomAD 0.00003 and 0.00005; TOPMed 0.00008; gnomAD exomes 0.00027; ExAC 0.00048.
gnomAD v4.1: 253 of 1,588,848 alleles (0.016%); highest among the groups gnomAD compares: Middle Eastern, 0.22%; no homozygotes.

Submissions (4):

PreventionGenetics, part of Exact Sciences
Classification: Likely benign for MERTK-related condition. Last evaluated: 2025-03-26. Review status: criteria provided, single submitter. Criteria: ACMG Guidelines, 2015. Collection method: clinical testing. Allele origin: germline.
Comment: This variant is classified as likely benign based on ACMG/AMP sequence variant interpretation guidelines (Richards et al. 2015 PMID: 25741868, with internal and published modifications).

Labcorp Genetics (formerly Invitae), Labcorp
Classification: Uncertain significance. Last evaluated: 2024-12-02. Review status: criteria provided, single submitter. Criteria: Invitae Variant Classification Sherloc (09022015). Collection method: clinical testing. Allele origin: germline.
Comment: This sequence change falls in intron 1 of the MERTK gene. It does not directly change the encoded amino acid sequence of the MERTK protein. It affects a nucleotide within the consensus splice site. This variant is present in population databases (rs746981720, gnomAD 0.1%). This variant has not been reported in the literature in individuals affected with MERTK-related conditions. ClinVar contains an entry for this variant (Variation ID: 865867). Variants that disrupt the consensus splice site are a relatively common cause of aberrant splicing (PMID: 17576681, 9536098). Algorithms developed to predict the effect of sequence changes on RNA splicing suggest that this variant is not likely to affect RNA splicing. In summary, the available evidence is currently insufficient to determine the role of this variant in disease. Therefore, it has been classified as a Variant of Uncertain Significance.

Blueprint Genetics
Classification: Uncertain significance. Last evaluated: 2024-09-26. Review status: criteria provided, single submitter. Criteria: ACMG Guidelines, 2015. Collection method: clinical testing. Allele origin: germline.

Illumina Laboratory Services, Illumina
Classification: Uncertain significance for Retinitis pigmentosa. Last evaluated: 2018-03-30. Review status: criteria provided, single submitter. Criteria: ICSL Variant Classification Criteria 13 December 2019. Collection method: clinical testing. Allele origin: germline.

Literature cited by the submitters: PubMed 17576681 (cited by Labcorp Genetics (formerly Invitae), Labcorp); PubMed 9536098 (cited by Labcorp Genetics (formerly Invitae), Labcorp).